The following is an entry in ClinVar:

ClinVar aggregate classification (germline): Uncertain significance (1 of 4 stars; one submission).

gnomAD v4.1: 6 of 1,613,520 alleles (0.00037%); highest among the groups gnomAD compares: Non-Finnish European, 0.00051%; no homozygotes.

Submission:

Labcorp Genetics (formerly Invitae), Labcorp
Classification: Uncertain significance. Last evaluated: 2026-01-25. Review status: criteria provided, single submitter. Criteria: Invitae Variant Classification Sherloc (09022015). Collection method: clinical testing. Allele origin: germline.
Comment: This sequence change replaces aspartic acid, which is acidic and polar, with alanine, which is neutral and non-polar, at codon 111 of the MKL1 protein (p.Asp111Ala). This variant is not present in population databases (gnomAD no frequency). This variant has not been reported in the literature in individuals affected with MKL1-related conditions. An algorithm developed to predict the effect of missense changes on protein structure and function (PolyPhen-2) suggests that this variant is likely to be disruptive. In summary, the available evidence is currently insufficient to determine the role of this variant in disease. Therefore, it has been classified as a Variant of Uncertain Significance.

NM_020831.6(MRTFA):c.632A>C (p.Asp211Ala)

Gene: MRTFA (myocardin related transcription factor A; minus strand). Cytogenetic location: 22q13.1.
Variant type: single nucleotide variant.
Coding change: c.632A>C on transcript NM_020831.6 (MANE Select); coding-DNA position 632, A replaced by C.
Protein change: p.Asp211Ala; replaces aspartic acid 211 with alanine.
Molecular consequence: missense variant.
Genome position (GRCh38, 1-based): chr22:40,424,351, T>G on the plus strand (A>C on the coding strand, the complement: MRTFA is on the minus strand). VCF-style: chr22-40424351-T-G. GRCh37 (hg19) VCF-style: chr22-40820355-T-G.
Other names: c.332A>C, p.Asp111Ala (NM_001282660.2); c.632A>C, p.Asp211Ala (NM_001282661.3, NM_001282662.3); c.437A>C, p.Asp146Ala (NM_001318139.2); short protein forms D146A, D111A, D211A.
Identifiers: ClinVar variation 4703614 (VCV004703614.1).